The following is an entry in ClinVar:

ClinVar aggregate classification (germline): Uncertain significance (1 of 4 stars; one submission).

Submission:

Labcorp Genetics (formerly Invitae), Labcorp
Classification: Uncertain significance. Last evaluated: 2024-11-11. Review status: criteria provided, single submitter. Criteria: Invitae Variant Classification Sherloc (09022015). Collection method: clinical testing. Allele origin: germline.
Comment: This sequence change replaces methionine, which is neutral and non-polar, with lysine, which is basic and polar, at codon 176 of the SLC34A3 protein (p.Met176Lys). This variant is not present in population databases (gnomAD no frequency). This variant has not been reported in the literature in individuals affected with SLC34A3-related conditions. ClinVar contains an entry for this variant (Variation ID: 1978416). Invitae Evidence Modeling of protein sequence and biophysical properties (such as structural, functional, and spatial information, amino acid conservation, physicochemical variation, residue mobility, and thermodynamic stability) indicates that this missense variant is not expected to disrupt SLC34A3 protein function with a negative predictive value of 80%. In summary, the available evidence is currently insufficient to determine the role of this variant in disease. Therefore, it has been classified as a Variant of Uncertain Significance.

NM_001177316.2(SLC34A3):c.527T>A (p.Met176Lys)

Gene: SLC34A3 (solute carrier family 34 member 3; plus strand). Cytogenetic location: 9q34.3.
Variant type: single nucleotide variant.
Coding change: c.527T>A on transcript NM_001177316.2 (MANE Select); coding-DNA position 527, T replaced by A.
Protein change: p.Met176Lys; replaces methionine 176 with lysine.
Molecular consequence: missense variant.
Genome position (GRCh38, 1-based): chr9:137,233,082, T>A. VCF-style: chr9-137233082-T-A. GRCh37 (hg19) VCF-style: chr9-140127534-T-A.
Other names: c.527T>A, p.Met176Lys (NM_001177317.2, NM_080877.3); short protein forms M176K.
Identifiers: ClinVar variation 1978416 (VCV001978416.4), dbSNP rs2538804265, ClinGen allele CA375730387.